The following is an entry in ClinVar:

NM_000133.4(F9):c.1226G>T (p.Gly409Val)

Gene: F9 (coagulation factor IX; plus strand). Cytogenetic location: Xq27.1.
Variant type: single nucleotide variant.
Coding change: c.1226G>T on transcript NM_000133.4 (MANE Select); coding-DNA position 1226, G replaced by T.
Protein change: p.Gly409Val; replaces glycine 409 with valine.
Molecular consequence: missense variant.
Genome position (GRCh38, 1-based): chrX:139,561,911, G>T. VCF-style: chrX-139561911-G-T. GRCh37 (hg19) VCF-style: chrX-138644070-G-T.
Other names: c.1112G>T, p.Gly371Val (NM_001313913.2); short protein forms G371V, G409V.
Identifiers: ClinVar variation 4687707 (VCV004687707.1).

ClinVar aggregate classification (germline): Likely pathogenic (1 of 4 stars; one submission).

Conditions:
Hereditary factor IX deficiency disease (HEMB). Also called: Christmas Disease; F9 DEFICIENCY; FACTOR IX DEFICIENCY; PLASMA THROMBOPLASTIN COMPONENT DEFICIENCY; Hemophilia B. Identifiers: Orphanet 98879, MedGen C0008533, MeSH D002836, MONDO:0010604, OMIM 306900.

Submission:

Women's Health and Genetics/Laboratory Corporation of America, LabCorp
Classification: Likely pathogenic for Hereditary factor IX deficiency disease. Last evaluated: 2025-10-28. Review status: criteria provided, single submitter. Criteria: LabCorp Variant Classification Summary - May 2015. Collection method: clinical testing. Allele origin: germline.
Comment: Variant summary: F9 c.1226G>T (p.Gly409Val) results in a non-conservative amino acid change in the encoded protein sequence. Algorithms developed to predict the effect of missense changes on protein structure and function all suggest that this variant is likely to be disruptive. The variant was absent in 183353 control chromosomes. The available data on variant occurrences in the general population are insufficient to allow any conclusion about variant significance. c.1226G>T has been observed in at least one individual affected with Factor IX Deficiency (Hemophilia B) (Bajaj_1990). At least one publication reports experimental evidence evaluating an impact on protein function, indicating that the variant results in a protein that undergoes normal activation, but is unable to activate factor X (Bajaj_1990). The following publication has been ascertained in the context of this evaluation (PMID: 2303434). No submitters have cited clinical-significance assessments for this variant to ClinVar. Based on the evidence outlined above, the variant was classified as likely pathogenic.

Literature cited by the submitters: PubMed 2303434.